The following is an entry in ClinVar:

ClinVar aggregate classification (germline): Uncertain significance (1 of 4 stars; one submission).

Conditions:
Inborn genetic diseases. Identifiers: MedGen C0950123, MeSH D030342.

gnomAD v4.1: 2 of 1,599,896 alleles (0.00013%); highest among the groups gnomAD compares: South Asian, 0.0011%; no homozygotes.

Submission:

Ambry Genetics
Classification: Uncertain significance for Inborn genetic diseases. Last evaluated: 2024-11-22. Review status: criteria provided, single submitter. Criteria: Ambry Variant Classification Scheme 2023. Collection method: clinical testing. Allele origin: germline.
Comment: The p.R666S variant (also known as c.1998G>T), located in coding exon 11 of the FANCM gene, results from a G to T substitution at nucleotide position 1998. The arginine at codon 666 is replaced by serine, an amino acid with dissimilar properties. This amino acid position is conserved. In addition, this alteration is predicted to be tolerated by in silico analysis. Based on the available evidence, the clinical significance of this variant remains unclear.

NM_020937.4(FANCM):c.1998G>T (p.Arg666Ser)

Gene: FANCM (FA complementation group M; plus strand). Cytogenetic location: 14q21.2.
Variant type: single nucleotide variant.
Coding change: c.1998G>T on transcript NM_020937.4 (MANE Select); coding-DNA position 1998, G replaced by T.
Protein change: p.Arg666Ser; replaces arginine 666 with serine.
Molecular consequence: missense variant.
Genome position (GRCh38, 1-based): chr14:45,167,159, G>T. VCF-style: chr14-45167159-G-T. GRCh37 (hg19) VCF-style: chr14-45636362-G-T.
Other names: c.1920G>T, p.Arg640Ser (NM_001308133.2); c.1998G>T, p.Arg666Ser (NM_001308134.2); short protein forms R666S, R640S.
Identifiers: ClinVar variation 3512908 (VCV003512908.1).